The following is an entry in ClinVar:

ClinVar aggregate classification (germline): Pathogenic. Review status: criteria provided, single submitter (1 of 4 stars). 2 submissions from 2 submitters: Pathogenic (1). 1 of the submissions does not count toward it. Last evaluated 2022-03-31.

Conditions:
Retinal dystrophy. Also called: Inherited retinal dystrophy. Identifiers: Orphanet 71862, MedGen C0854723, MeSH D058499, MONDO:0019118, HP:0000556.

Allele frequency attached by ClinVar (database versions not stated): gnomAD exomes below 0.00001.

Submissions (2):

Labcorp Genetics (formerly Invitae), Labcorp
Classification: Pathogenic. Last evaluated: 2022-03-31. Review status: criteria provided, single submitter. Criteria: Invitae Variant Classification Sherloc (09022015). Collection method: clinical testing. Allele origin: germline.
Comment: For these reasons, this variant has been classified as Pathogenic. This variant has not been reported in the literature in individuals affected with PDE6C-related conditions. This variant is not present in population databases (gnomAD no frequency). This sequence change creates a premature translational stop signal (p.Tyr586Thrfs*30) in the PDE6C gene. It is expected to result in an absent or disrupted protein product. Loss-of-function variants in PDE6C are known to be pathogenic (PMID: 19887631, 23776498, 26103963, 30080950).

Institute of Human Genetics, Univ. Regensburg, Univ. Regensburg
Classification: Pathogenic for Retinal dystrophy. Last evaluated: 2019-01-01. Review status: no assertion criteria provided. Criteria: ACMG Guidelines, 2015. Collection method: clinical testing. Allele origin: germline. Affected: yes. Not counted in ClinVar's aggregate classification.

Literature cited by the submitters: PubMed 19887631 (cited by Labcorp Genetics (formerly Invitae), Labcorp); PubMed 23776498 (cited by Labcorp Genetics (formerly Invitae), Labcorp); PubMed 26103963 (cited by Labcorp Genetics (formerly Invitae), Labcorp); PubMed 30080950 (cited by Labcorp Genetics (formerly Invitae), Labcorp).

NM_006204.4(PDE6C):c.1756del (p.Tyr586fs)

Gene: PDE6C (phosphodiesterase 6C; plus strand). Cytogenetic location: 10q23.33.
Variant type: Deletion.
Coding change: c.1756del on transcript NM_006204.4 (MANE Select); coding-DNA position 1756, one base deleted (T; older notation c.1756delT).
Protein change: p.Tyr586fs; shifts the reading frame from tyrosine 586.
Molecular consequence: frameshift variant.
Genome position (GRCh38, 1-based): chr10:93,640,938, T deleted. VCF-style (leftmost placement, unchanged base first): chr10-93640937-GT-G. GRCh37 (hg19) VCF-style: chr10-95400694-GT-G.
Other names: short protein forms Y586fs.
Identifiers: ClinVar variation 2119906 (VCV002119906.5), dbSNP rs2492534156, ClinGen allele CA2580082492.